The following is an entry in ClinVar:

NM_020461.4(TUBGCP6):c.4G>A (p.Ala2Thr)

Gene: TUBGCP6 (tubulin gamma complex component 6; minus strand). Cytogenetic location: 22q13.33.
Variant type: single nucleotide variant.
Coding change: c.4G>A on transcript NM_020461.4 (MANE Select); coding-DNA position 4, G replaced by A.
Protein change: p.Ala2Thr; replaces alanine 2 with threonine.
Molecular consequence: missense variant.
Genome position (GRCh38, 1-based): chr22:50,244,456, C>T on the plus strand (G>A on the coding strand, the complement: TUBGCP6 is on the minus strand). VCF-style: chr22-50244456-C-T. GRCh37 (hg19) VCF-style: chr22-50682885-C-T.
Other names: short protein forms A2T.
Identifiers: ClinVar variation 961413 (VCV000961413.9), dbSNP rs2064892945, ClinGen allele CA412117735.

ClinVar aggregate classification (germline): Uncertain significance (1 of 4 stars; one submission).

Allele frequency attached by ClinVar (database versions not stated): gnomAD exomes below 0.00001; TOPMed 0.00001.
gnomAD v4.1: 1 of 1,608,102 alleles (0.000062%); highest among the groups gnomAD compares: Non-Finnish European, 0.000085%; no homozygotes.

Submission:

Labcorp Genetics (formerly Invitae), Labcorp
Classification: Uncertain significance. Last evaluated: 2022-06-30. Review status: criteria provided, single submitter. Criteria: Invitae Variant Classification Sherloc (09022015). Collection method: clinical testing. Allele origin: germline.
Comment: In summary, the available evidence is currently insufficient to determine the role of this variant in disease. Therefore, it has been classified as a Variant of Uncertain Significance. Algorithms developed to predict the effect of missense changes on protein structure and function (SIFT, PolyPhen-2, Align-GVGD) all suggest that this variant is likely to be tolerated. ClinVar contains an entry for this variant (Variation ID: 961413). This variant has not been reported in the literature in individuals affected with TUBGCP6-related conditions. This variant is not present in population databases (gnomAD no frequency). This sequence change replaces alanine, which is neutral and non-polar, with threonine, which is neutral and polar, at codon 2 of the TUBGCP6 protein (p.Ala2Thr).